The following is an entry in ClinVar:

NM_001014.5(RPS10):c.98C>T (p.Pro33Leu)

Genes: RPS10 (ribosomal protein S10; minus strand), RPS10-NUDT3 (RPS10-NUDT3 readthrough; minus strand). Cytogenetic location: 6p21.31.
Variant type: single nucleotide variant.
Coding change: c.98C>T on transcript NM_001014.5 (MANE Select); coding-DNA position 98, C replaced by T.
Protein change: p.Pro33Leu; replaces proline 33 with leucine.
Molecular consequence: missense variant.
Genome position (GRCh38, 1-based): chr6:34,425,124, G>A on the plus strand (C>T on the coding strand, the complement: RPS10 is on the minus strand). VCF-style: chr6-34425124-G-A. GRCh37 (hg19) VCF-style: chr6-34392901-G-A.
Other names: c.98C>T, p.Pro33Leu (NM_001202470.3, NM_001203245.3, NM_001204091.2); short protein forms P33L.
Identifiers: ClinVar variation 2731650 (VCV002731650.3), dbSNP rs754370248, ClinGen allele CA3765136.

ClinVar aggregate classification (germline): Uncertain significance (1 of 4 stars; one submission).

Conditions:
Diamond-Blackfan anemia. Also called: Blackfan Diamond syndrome; Aregenerative anemia chronic congenital; Red cell aplasia, pure hereditary; Congenital hypoplastic anemia; Aase syndrome. Identifiers: Orphanet 124, MedGen C1260899, MeSH D029503, MONDO:0015253, HP:0004810.

Allele frequency attached by ClinVar (database versions not stated): ExAC 0.00003.
gnomAD v4.1: 5 of 1,613,200 alleles (0.00031%); highest among the groups gnomAD compares: Non-Finnish European, 0.00042%; no homozygotes.

Submission:

Labcorp Genetics (formerly Invitae), Labcorp
Classification: Uncertain significance for Diamond-Blackfan anemia. Last evaluated: 2023-05-11. Review status: criteria provided, single submitter. Criteria: Invitae Variant Classification Sherloc (09022015). Collection method: clinical testing. Allele origin: germline.
Comment: This variant is present in population databases (rs754370248, gnomAD 0.004%). This variant has not been reported in the literature in individuals affected with RPS10-related conditions. An algorithm developed to predict the effect of missense changes on protein structure and function (PolyPhen-2) suggests that this variant is likely to be tolerated. In summary, the available evidence is currently insufficient to determine the role of this variant in disease. Therefore, it has been classified as a Variant of Uncertain Significance. This sequence change replaces proline, which is neutral and non-polar, with leucine, which is neutral and non-polar, at codon 33 of the RPS10 protein (p.Pro33Leu).